The following is an entry in ClinVar:

NM_004329.3(BMPR1A):c.885C>T (p.Asp295=)

Gene: BMPR1A (bone morphogenetic protein receptor type 1A; plus strand). Cytogenetic location: 10q23.2.
Variant type: single nucleotide variant.
Coding change: c.885C>T on transcript NM_004329.3 (MANE Select); coding-DNA position 885, C replaced by T.
Protein change: p.Asp295=; no amino-acid change (aspartic acid 295 retained).
Molecular consequence: synonymous variant.
Genome position (GRCh38, 1-based): chr10:86,919,188, C>T. VCF-style: chr10-86919188-C-T. GRCh37 (hg19) VCF-style: chr10-88678945-C-T.
Identifiers: ClinVar variation 918484 (VCV000918484.14), dbSNP rs773569581, ClinGen allele CA5585631.

ClinVar aggregate classification (germline): Benign/Likely benign. Review status: criteria provided, multiple submitters, no conflicts (2 of 4 stars). 5 submissions from 5 submitters: Benign (1); Likely benign (4). Last evaluated 2025-12-15.

Conditions:
Juvenile polyposis syndrome (JPS). Identifiers: Orphanet 2929, MedGen C0345893, MONDO:0017380, OMIM 174900.
Hereditary cancer-predisposing syndrome. Also called: Hereditary Cancer Syndrome; Hereditary neoplastic syndrome; Neoplastic Syndromes, Hereditary; Tumor predisposition. Identifiers: Orphanet 140162, MedGen C0027672, MeSH D009386, MONDO:0015356.

Allele frequency attached by ClinVar (database versions not stated): gnomAD exomes 0.00001 and 0.00002; ExAC 0.00003.
gnomAD v4.1: 18 of 1,613,952 alleles (0.0011%); highest among the groups gnomAD compares: South Asian, 0.015%; 1 homozygote.

Submissions (5):

Labcorp Genetics (formerly Invitae), Labcorp
Classification: Likely benign for Juvenile polyposis syndrome. Last evaluated: 2025-12-15. Review status: criteria provided, single submitter. Criteria: Invitae Variant Classification Sherloc (09022015). Collection method: clinical testing. Allele origin: germline.

Myriad Genetics, Inc.
Classification: Benign for Juvenile polyposis syndrome. Last evaluated: 2024-08-05. Review status: criteria provided, single submitter. Criteria: Myriad Autosomal Dominant, Autosomal Recessive and X-Linked Classification Criteria (2023). Collection method: clinical testing. Allele origin: unknown.
Comment: This variant is considered benign. This variant is a silent/synonymous amino acid change and it is not expected to impact splicing.

Ambry Genetics
Classification: Likely benign for Hereditary cancer-predisposing syndrome. Last evaluated: 2024-02-18. Review status: criteria provided, single submitter. Criteria: Ambry Variant Classification Scheme 2023. Collection method: clinical testing. Allele origin: germline.

Sema4
Classification: Likely benign for Hereditary cancer-predisposing syndrome. Last evaluated: 2021-12-16. Review status: criteria provided, single submitter. Criteria: Sema4 Curation Guidelines. Collection method: curation. Allele origin: germline.

Color Diagnostics, LLC DBA Color Health
Classification: Likely benign for Hereditary cancer-predisposing syndrome. Last evaluated: 2018-11-02. Review status: criteria provided, single submitter. Criteria: ACMG Guidelines, 2015. Collection method: clinical testing. Allele origin: germline.